The following is an entry in ClinVar:

ClinVar aggregate classification (germline): Conflicting classifications of pathogenicity. Review status: criteria provided, conflicting classifications (1 of 4 stars). 4 submissions from 4 submitters: Uncertain significance (3); Likely benign (1). Last evaluated 2024-02-15.

Conditions:
Developmental delay with variable intellectual impairment and behavioral abnormalities. Identifiers: MedGen C5193092, MONDO:0032745, OMIM 618430.

Submissions (4):

Labcorp Genetics (formerly Invitae), Labcorp
Classification: Likely benign. Last evaluated: 2024-02-15. Review status: criteria provided, single submitter. Criteria: Invitae Variant Classification Sherloc (09022015). Collection method: clinical testing. Allele origin: germline.

Baylor Genetics
Classification: Uncertain significance for Developmental delay with variable intellectual impairment and behavioral abnormalities. Last evaluated: 2022-05-06. Review status: criteria provided, single submitter. Criteria: ACMG Guidelines, 2015. Collection method: clinical testing. Allele origin: unknown.

Revvity Omics, Revvity
Classification: Uncertain significance for Developmental delay with variable intellectual impairment and behavioral abnormalities. Last evaluated: 2020-04-23. Review status: criteria provided, single submitter. Criteria: ACMG Guidelines, 2015. Collection method: clinical testing. Allele origin: germline.

Wangler Lab, Baylor College of Medicine
Classification: Uncertain significance for Developmental delay with variable intellectual impairment and behavioral abnormalities. Review status: criteria provided, single submitter. Criteria: ACMG Guidelines, 2015. Collection method: clinical testing. Allele origin: maternal. Inheritance: Autosomal dominant inheritance. Affected: yes. Observed: 1 heterozygote.
Comment: This TCF20 variant at c.734_739del (p.S245_S246del) was discovered on exome through the Texome Project (R01HG011795). This variant is predicted to cause a deletion that does not disrupt the reading frame. The variant has been observed in gnomAD with a frequency of <0.001%. This residue is highly conserved. We classify this as a variant of uncertain significance.

NM_001378418.1(TCF20):c.719CCT[5] (p.Ser245_Ser246del)

Gene: TCF20 (transcription factor 20; minus strand). Cytogenetic location: 22q13.2.
Variant type: Microsatellite.
Coding change: c.719CCT[5] on transcript NM_001378418.1 (MANE Select); five copies in a row of the 3-base unit CCT starting at c.719; the reference has seven copies in a row; two copies, 6 bases deleted.
Protein change: p.Ser245_Ser246del.
Molecular consequence: inframe deletion.
Genome position (GRCh38, 1-based): chr22:42,214,567-42,214,572, AGGAGG deleted on the plus strand (CCTCCT on the coding strand, the reverse complement: TCF20 is on the minus strand); deleting any 6 consecutive bases within chr22:42,214,567-42,214,588 gives the same sequence; the position shown is the placement nearest the transcript's 3' end. VCF-style (leftmost placement, unchanged base first): chr22-42214566-AAGGAGG-A. GRCh37 (hg19) VCF-style: chr22-42610572-AAGGAGG-A.
Other names: c.719CCT[5], p.Ser245_Ser246del (NM_005650.4, NM_181492.3).
Identifiers: ClinVar variation 1708266 (VCV001708266.9), dbSNP rs754279263, ClinGen allele CA10267311.
Genomic context (GRCh38, chr22:42,214,566, plus strand): 5'-TTCACATTGTAACTGCCATCATAGCTCTGTCCAGACTGGCTAAAACGCTGTGGTGAAGGG[AAGGAGG>A]AGGAGGAGGAGGAGGAAGCAGAAGACTGATAGTGTTGGCCAAACTGACCCACTCTTAACT-3'